The following is an entry in ClinVar:

NM_006245.4(PPP2R5D):c.278A>T (p.Asn93Ile)

Gene: PPP2R5D (protein phosphatase 2 regulatory subunit B'delta; plus strand). Cytogenetic location: 6p21.1.
Variant type: single nucleotide variant.
Coding change: c.278A>T on transcript NM_006245.4 (MANE Select); coding-DNA position 278, A replaced by T.
Protein change: p.Asn93Ile; replaces asparagine 93 with isoleucine.
Molecular consequence: missense variant. On other transcripts: 5 prime UTR variant (1), intron variant (2).
Genome position (GRCh38, 1-based): chr6:43,006,635, A>T. VCF-style: chr6-43006635-A-T. GRCh37 (hg19) VCF-style: chr6-42974373-A-T.
Other names: c.-176A>T (NM_001270476.2); c.249+29A>T (NM_180976.3); c.28-299A>T (NM_180977.3); short protein forms N93I.
Identifiers: ClinVar variation 1714985 (VCV001714985.6), dbSNP rs1160346330, ClinGen allele CA364180953.

ClinVar aggregate classification (germline): Uncertain significance. Review status: criteria provided, multiple submitters, no conflicts (2 of 4 stars). 2 submissions from 2 submitters: Uncertain significance (2). Last evaluated 2025-04-14.

Allele frequency attached by ClinVar (database versions not stated): TOPMed below 0.00001.
gnomAD v4.1: 1 of 1,614,150 alleles (0.000062%); no homozygotes.

Submissions (2):

Labcorp Genetics (formerly Invitae), Labcorp
Classification: Uncertain significance. Last evaluated: 2025-04-14. Review status: criteria provided, single submitter. Criteria: Invitae Variant Classification Sherloc (09022015). Collection method: clinical testing. Allele origin: germline.
Comment: This sequence change replaces asparagine, which is neutral and polar, with isoleucine, which is neutral and non-polar, at codon 93 of the PPP2R5D protein (p.Asn93Ile). This variant is present in population databases (no rsID available, gnomAD 0.0009%). This variant has not been reported in the literature in individuals affected with PPP2R5D-related conditions. ClinVar contains an entry for this variant (Variation ID: 1714985). An algorithm developed to predict the effect of missense changes on protein structure and function (PolyPhen-2) suggests that this variant is likely to be tolerated. In summary, the available evidence is currently insufficient to determine the role of this variant in disease. Therefore, it has been classified as a Variant of Uncertain Significance.

Women's Health and Genetics/Laboratory Corporation of America, LabCorp
Classification: Uncertain significance. Last evaluated: 2023-12-13. Review status: criteria provided, single submitter. Criteria: LabCorp Variant Classification Summary - May 2015. Collection method: clinical testing. Allele origin: germline.
Comment: Variant summary: PPP2R5D c.278A>T (p.Asn93Ile) results in a non-conservative amino acid change in the encoded protein sequence. Three of five in-silico tools predict a benign effect of the variant on protein function. The variant allele was found at a frequency of 4e-06 in 250860 control chromosomes (gnomAD). The available data on variant occurrences in the general population are insufficient to allow any conclusion about variant significance. To our knowledge, no occurrence of c.278A>T in individuals affected with Intellectual Disability-Macrocephaly Abnormalities Syndrome and no experimental evidence demonstrating its impact on protein function have been reported. One submitter has cited a clinical-significance assessment for this variant to ClinVar after 2014 and has classified the variant as uncertain significance. Based on the evidence outlined above, the variant was classified as uncertain significance.